The following is an entry in ClinVar:

ClinVar aggregate classification (germline): Uncertain significance (1 of 4 stars; one submission).

Conditions:
Fanconi anemia (FA). Also called: Fanconi's anemia. Identifiers: Orphanet 84, MedGen C0015625, MeSH D005199, MONDO:0019391.

gnomAD v4.1: 9 of 1,613,258 alleles (0.00056%); highest among the groups gnomAD compares: Non-Finnish European, 0.00076%; no homozygotes.

Submission:

Labcorp Genetics (formerly Invitae), Labcorp
Classification: Uncertain significance for Fanconi anemia. Last evaluated: 2023-03-20. Review status: criteria provided, single submitter. Criteria: Invitae Variant Classification Sherloc (09022015). Collection method: clinical testing. Allele origin: germline.
Comment: In summary, the available evidence is currently insufficient to determine the role of this variant in disease. Therefore, it has been classified as a Variant of Uncertain Significance. An algorithm developed to predict the effect of missense changes on protein structure and function (PolyPhen-2) suggests that this variant is likely to be disruptive. This variant has not been reported in the literature in individuals affected with FANCM-related conditions. This variant is present in population databases (no rsID available, gnomAD 0.0009%). This sequence change replaces serine, which is neutral and polar, with phenylalanine, which is neutral and non-polar, at codon 1326 of the FANCM protein (p.Ser1326Phe).

NM_020937.4(FANCM):c.3977C>T (p.Ser1326Phe)

Gene: FANCM (FA complementation group M; plus strand). Cytogenetic location: 14q21.2.
Variant type: single nucleotide variant.
Coding change: c.3977C>T on transcript NM_020937.4 (MANE Select); coding-DNA position 3977, C replaced by T.
Protein change: p.Ser1326Phe; replaces serine 1326 with phenylalanine.
Molecular consequence: missense variant.
Genome position (GRCh38, 1-based): chr14:45,176,731, C>T. VCF-style: chr14-45176731-C-T. GRCh37 (hg19) VCF-style: chr14-45645934-C-T.
Other names: c.3899C>T, p.Ser1300Phe (NM_001308133.2); short protein forms S1300F, S1326F.
Identifiers: ClinVar variation 2892214 (VCV002892214.3), dbSNP rs1280192693, ClinGen allele CA389603810.